The following is an entry in ClinVar:

ClinVar aggregate classification (germline): Benign. Review status: criteria provided, multiple submitters, no conflicts (2 of 4 stars). 3 submissions from 3 submitters: Benign (3). Last evaluated 2026-07-01.

Conditions:
Glycogen storage disease, type II (IOPD). Also called: Pompe Disease; CARDIOMEGALIA GLYCOGENICA DIFFUSA; GLYCOGENOSIS, GENERALIZED, CARDIAC FORM; GSD II; POMPE DISEASE, INFANTILE-ONSET; GLYCOGEN STORAGE DISEASE II, INFANTILE-ONSET. Identifiers: Orphanet 365, MedGen C0017921, MONDO:0009290, OMIM 232300.

Allele frequency attached by ClinVar (database versions not stated): 1000 Genomes Project 30x 0.16084; 1000 Genomes Project 0.16134; TOPMed 0.19943; gnomAD 0.20178 and 0.20339.
gnomAD v4.1: 31,000 of 152,172 alleles (20%); highest among the groups gnomAD compares: Non-Finnish European, 28%; 3,854 homozygotes.

Submissions (3):

Genomenon, Inc
Classification: Benign for Glycogen storage disease, type II. Last evaluated: 2026-07-01. Review status: criteria provided, single submitter. Criteria: Genomenon Sequence Variant Interpretation Standards - Updated. Collection method: curation. Allele origin: germline. Affected: no.
Comment: GAA c.547-238T>C is an intronic variant located in intron 2. This variant is present at high allele frequency in population databases. We classify GAA c.547-238T>C as a benign variant.

GeneDx
Classification: Benign. Last evaluated: 2018-06-14. Review status: criteria provided, single submitter. Criteria: GeneDx Variant Classification (06012015). Collection method: clinical testing. Allele origin: germline. Affected: yes.
Comment: This variant is considered likely benign or benign based on one or more of the following criteria: it is a conservative change, it occurs at a poorly conserved position in the protein, it is predicted to be benign by multiple in silico algorithms, and/or has population frequency not consistent with disease.

Breakthrough Genomics
Classification: Benign. Review status: criteria provided, single submitter. Criteria: ACMG Guidelines, 2015. Collection method: not provided. Allele origin: germline. Inheritance: Autosomal recessive inheritance. Affected: yes.

NM_000152.5(GAA):c.547-238T>C

Gene: GAA (alpha glucosidase; plus strand). Cytogenetic location: 17q25.3.
Variant type: single nucleotide variant.
Coding change: c.547-238T>C on transcript NM_000152.5 (MANE Select); 238 bases into the intron before coding-DNA position 547, T replaced by C.
Molecular consequence: intron variant.
Genome position (GRCh38, 1-based): chr17:80,105,511, T>C. VCF-style: chr17-80105511-T-C. GRCh37 (hg19) VCF-style: chr17-78079310-T-C.
Other names: c.547-238T>C (NM_001079803.3, NM_001079804.3).
Identifiers: ClinVar variation 680263 (VCV000680263.3), dbSNP rs12452263, ClinGen allele CA14494543.